The following is an entry in ClinVar:

NM_144643.4(SCLT1):c.1753_1754del (p.Gln585fs)

Gene: SCLT1 (sodium channel and clathrin linker 1; minus strand). Cytogenetic location: 4q28.2.
Variant type: Deletion.
Coding change: c.1753_1754del on transcript NM_144643.4 (MANE Select); coding-DNA positions 1753 to 1754, 2 bases deleted (CA; older notation c.1753_1754delCA).
Protein change: p.Gln585fs; shifts the reading frame from glutamine 585.
Molecular consequence: frameshift variant.
Genome position (GRCh38, 1-based): chr4:128,936,730-128,936,731, TG deleted on the plus strand (CA on the coding strand, the reverse complement: SCLT1 is on the minus strand); deleting any 2 consecutive bases within chr4:128,936,730-128,936,732 gives the same sequence; the c. name uses the placement nearest the transcript's 3' end. VCF-style (leftmost placement, unchanged base first): chr4-128936729-CTG-C. GRCh37 (hg19) VCF-style: chr4-129857884-CTG-C.
Other names: short protein forms Q585fs.
Identifiers: ClinVar variation 1455584 (VCV001455584.6), dbSNP rs2125982058, ClinGen allele CA2573138052.

ClinVar aggregate classification (germline): Pathogenic (1 of 4 stars; one submission).

Submission:

Labcorp Genetics (formerly Invitae), Labcorp
Classification: Pathogenic. Last evaluated: 2022-06-04. Review status: criteria provided, single submitter. Criteria: Invitae Variant Classification Sherloc (09022015). Collection method: clinical testing. Allele origin: germline.
Comment: This sequence change creates a premature translational stop signal (p.Gln585Glufs*5) in the SCLT1 gene. It is expected to result in an absent or disrupted protein product. Loss-of-function variants in SCLT1 are known to be pathogenic (PMID: 28005958). This variant is not present in population databases (gnomAD no frequency). This variant has not been reported in the literature in individuals affected with SCLT1-related conditions. ClinVar contains an entry for this variant (Variation ID: 1455584). For these reasons, this variant has been classified as Pathogenic.

Literature cited by the submitters: PubMed 28005958.